The following is an entry in ClinVar:

ClinVar aggregate classification (germline): Uncertain significance (1 of 4 stars; one submission).

Allele frequency attached by ClinVar (database versions not stated): gnomAD exomes below 0.00001; ExAC 0.00001; gnomAD 0.00002; ESP Exome Variant Server 0.00008.
gnomAD v4.1: 4 of 1,611,138 alleles (0.00025%); highest among the groups gnomAD compares: African/African-American, 0.0027%; no homozygotes.

Submission:

Labcorp Genetics (formerly Invitae), Labcorp
Classification: Uncertain significance. Last evaluated: 2023-04-26. Review status: criteria provided, single submitter. Criteria: Invitae Variant Classification Sherloc (09022015). Collection method: clinical testing. Allele origin: germline.
Comment: Algorithms developed to predict the effect of sequence changes on RNA splicing suggest that this variant may disrupt the consensus splice site. This variant has not been reported in the literature in individuals affected with NALCN-related conditions. The frequency data for this variant in the population databases is considered unreliable, as metrics indicate poor data quality at this position in the gnomAD database. This sequence change affects codon 1398 of the NALCN mRNA. It is a 'silent' change, meaning that it does not change the encoded amino acid sequence of the NALCN protein. In summary, the available evidence is currently insufficient to determine the role of this variant in disease. Therefore, it has been classified as a Variant of Uncertain Significance.

NM_052867.4(NALCN):c.4194T>C (p.Cys1398=)

Gene: NALCN (sodium leak channel, non-selective; minus strand). Cytogenetic location: 13q32.3.
Variant type: single nucleotide variant.
Coding change: c.4194T>C on transcript NM_052867.4 (MANE Select); coding-DNA position 4194, T replaced by C.
Protein change: p.Cys1398=; no amino-acid change (cysteine 1398 retained).
Molecular consequence: synonymous variant.
Genome position (GRCh38, 1-based): chr13:101,073,587, A>G on the plus strand (T>C on the coding strand, the complement: NALCN is on the minus strand). VCF-style: chr13-101073587-A-G. GRCh37 (hg19) VCF-style: chr13-101725939-A-G.
Other names: c.4281T>C, p.Cys1427= (NM_001350748.2); c.4194T>C, p.Cys1398= (NM_001350749.2); c.4107T>C, p.Cys1369= (NM_001350750.2, NM_001350751.2).
Identifiers: ClinVar variation 2775900 (VCV002775900.3), dbSNP rs146467258, ClinGen allele CA7035183.